The following is an entry in ClinVar:

ClinVar aggregate classification (germline): Uncertain significance. Review status: criteria provided, multiple submitters, no conflicts (2 of 4 stars). 2 submissions from 2 submitters: Uncertain significance (2). Last evaluated 2025-06-19.

Conditions:
CEP290-related disorder. Also called: CEP290-related condition; CEP290-related disorders. Identifiers: MedGen CN239314.
Nephronophthisis. Also called: Juvenile Nephronophthisis. Identifiers: Orphanet 655, MedGen C0687120, MONDO:0019005, HP:0000090.
Meckel-Gruber syndrome. Also called: DYSENCEPHALIA SPLANCHNOCYSTICA; GRUBER SYNDROME; Dysencephalia splachnocystica. Identifiers: Orphanet 564, MedGen C0265215, MONDO:0018921.
Joubert syndrome. Also called: JOUBERT-BOLTSHAUSER SYNDROME; Familial aplasia of the vermis. Identifiers: Orphanet 475, MedGen C5979921, MONDO:0018772.

Allele frequency attached by ClinVar (database versions not stated): gnomAD exomes below 0.00001; gnomAD 0.00001; TOPMed 0.00001.
gnomAD v4.1: 6 of 1,605,422 alleles (0.00037%); highest among the groups gnomAD compares: Admixed American, 0.0017%; no homozygotes.

Submissions (2):

PreventionGenetics, part of Exact Sciences
Classification: Uncertain significance for CEP290-related condition. Last evaluated: 2025-06-19. Review status: criteria provided, single submitter. Criteria: ACMG Guidelines, 2015. Collection method: clinical testing. Allele origin: germline.
Comment: The CEP290 c.3116G>A variant is predicted to result in the amino acid substitution p.Ser1039Asn. To our knowledge, this variant has not been reported in the literature or in a large population database (gnomAD), indicating this variant is rare. At this time, the clinical significance of this variant is uncertain due to the absence of conclusive functional and genetic evidence.

Labcorp Genetics (formerly Invitae), Labcorp
Classification: Uncertain significance for Joubert syndrome; Meckel-Gruber syndrome; Nephronophthisis. Last evaluated: 2022-05-19. Review status: criteria provided, single submitter. Criteria: Invitae Variant Classification Sherloc (09022015). Collection method: clinical testing. Allele origin: germline.
Comment: This sequence change replaces serine, which is neutral and polar, with asparagine, which is neutral and polar, at codon 1039 of the CEP290 protein (p.Ser1039Asn). This variant is not present in population databases (gnomAD no frequency). This variant has not been reported in the literature in individuals affected with CEP290-related conditions. Algorithms developed to predict the effect of missense changes on protein structure and function output the following: SIFT: "Tolerated"; PolyPhen-2: "Benign"; Align-GVGD: "Class C0". The asparagine amino acid residue is found in multiple mammalian species, which suggests that this missense change does not adversely affect protein function. In summary, the available evidence is currently insufficient to determine the role of this variant in disease. Therefore, it has been classified as a Variant of Uncertain Significance.

NM_025114.4(CEP290):c.3116G>A (p.Ser1039Asn)

Gene: CEP290 (centrosomal protein 290; minus strand). Cytogenetic location: 12q21.32.
Variant type: single nucleotide variant.
Coding change: c.3116G>A on transcript NM_025114.4 (MANE Select); coding-DNA position 3116, G replaced by A.
Protein change: p.Ser1039Asn; replaces serine 1039 with asparagine.
Molecular consequence: missense variant.
Genome position (GRCh38, 1-based): chr12:88,093,963, C>T on the plus strand (G>A on the coding strand, the complement: CEP290 is on the minus strand). VCF-style: chr12-88093963-C-T. GRCh37 (hg19) VCF-style: chr12-88487740-C-T.
Other names: c.3116G>A (NM_025114.3); short protein forms S1039N.
Identifiers: ClinVar variation 2173840 (VCV002173840.2), dbSNP rs1279900967, ClinGen allele CA386006589.